The following is an entry in ClinVar:

GRCh38/hg38 22q11.21(chr22:18950648-20241494)x1

Genes: ARVCF (ARVCF delta catenin family member; minus strand), C22orf39 (chromosome 22 open reading frame 39; minus strand), CCDC188 (coiled-coil domain containing 188; minus strand), CDC45 (cell division cycle 45; plus strand), CLDN5 (claudin 5; minus strand) and 86 more. Cytogenetic location: 22q11.21.
Variant type: copy number loss.
Change: copy number 1 (one copy instead of two) of chr22:18,950,648-20,241,494 (1.29 Mb, GRCh38 coordinates, 1-based), cytogenetic band 22q11.21.
Identifiers: ClinVar variation 59204 (VCV000059204.2).

ClinVar aggregate classification (germline): Pathogenic (1 of 4 stars; one submission).

Submission:

ISCA Site 6
Classification: Pathogenic. Last evaluated: 2011-08-12. Review status: criteria provided, single submitter. Criteria: Kaminsky et al. (Genet Med. 2011). Collection method: clinical testing. Allele origin: maternal, unknown. Affected: yes. Observed: 2 variant alleles.
Comment: Copy number variation identified through the course of routine clinical cytogenomic testing in postnatal populations. Clinical assertions have been curated as described in Kaminsky et al. 2011.